The following is an entry in ClinVar:

ClinVar aggregate classification (germline): Pathogenic (1 of 4 stars; one submission).

Conditions:
Hereditary cancer-predisposing syndrome. Also called: Hereditary Cancer Syndrome; Hereditary neoplastic syndrome; Neoplastic Syndromes, Hereditary; Tumor predisposition. Identifiers: Orphanet 140162, MedGen C0027672, MeSH D009386, MONDO:0015356.

Submission:

Ambry Genetics
Classification: Pathogenic for Hereditary cancer-predisposing syndrome. Last evaluated: 2023-04-07. Review status: criteria provided, single submitter. Criteria: Ambry Variant Classification Scheme 2023. Collection method: clinical testing. Allele origin: germline.
Comment: The c.6136dupT pathogenic mutation, located in coding exon 10 of the BRCA2 gene, results from a duplication of T at nucleotide position 6136, causing a translational frameshift with a predicted alternate stop codon (p.S2046Ffs*3). This alteration is expected to result in loss of function by premature protein truncation or nonsense-mediated mRNA decay. As such, this alteration is interpreted as a disease-causing mutation.

NM_000059.4(BRCA2):c.6136dup (p.Ser2046fs)

Gene: BRCA2 (BRCA2 DNA repair associated; plus strand). Cytogenetic location: 13q13.1.
Variant type: Duplication.
Coding change: c.6136dup on transcript NM_000059.4 (MANE Select); coding-DNA position 6136, one base duplicated (T; older notation c.6136dupT).
Protein change: p.Ser2046fs; shifts the reading frame from serine 2046.
Molecular consequence: frameshift variant.
Genome position (GRCh38, 1-based): chr13:32,340,491, T duplicated; the last of 4 consecutive T bases (chr13:32,340,488-32,340,491); duplicating any one gives the same sequence. VCF-style (leftmost placement, unchanged base first): chr13-32340487-C-CT. GRCh37 (hg19) VCF-style: chr13-32914624-C-CT.
Other names: c.6136dupT (NM_000059.3); c.6136dup, p.Ser2046Phefs (NM_001406719.1, NM_001406720.1); short protein forms S2046fs.
Identifiers: ClinVar variation 1751809 (VCV001751809.3), dbSNP rs886038140, ClinGen allele CA2580087788.